The following is an entry in ClinVar:

ClinVar aggregate classification (germline): Likely benign (1 of 4 stars; one submission).

gnomAD v4.1: 2 of 1,542,876 alleles (0.00013%); highest among the groups gnomAD compares: Non-Finnish European, 0.00017%; no homozygotes.

Submission:

GeneDx
Classification: Likely benign. Last evaluated: 2018-04-10. Review status: criteria provided, single submitter. Criteria: GeneDx Variant Classification (06012015). Collection method: clinical testing. Allele origin: germline. Affected: yes.
Comment: This variant is considered likely benign or benign based on one or more of the following criteria: it is a conservative change, it occurs at a poorly conserved position in the protein, it is predicted to be benign by multiple in silico algorithms, and/or has population frequency not consistent with disease.

NM_000814.6(GABRB3):c.81-4C>T

Gene: GABRB3 (gamma-aminobutyric acid type A receptor subunit beta3; minus strand). Cytogenetic location: 15q12.
Variant type: single nucleotide variant.
Coding change: c.81-4C>T on transcript NM_000814.6 (MANE Select); 4 bases into the intron before coding-DNA position 81, C replaced by T.
Molecular consequence: intron variant.
Genome position (GRCh38, 1-based): chr15:26,772,776, G>A on the plus strand (C>T on the coding strand, the complement: GABRB3 is on the minus strand). VCF-style: chr15-26772776-G-A. GRCh37 (hg19) VCF-style: chr15-27017923-G-A.
Other names: c.81-4C>T (NM_021912.5); c.-271-4C>T (NM_001278631.2).
Identifiers: ClinVar variation 681477 (VCV000681477.1), dbSNP rs1223039173, ClinGen allele CA915946494.
Genomic context (GRCh38, chr15:26,772,776, plus strand): 5'-TTCAACAGCTTGTCCACCGTCTCCTTCACAAAGGACATGTTCCCGGGATCGTTCACACTG[G>A]GGGAGGGACGGGGAGCACAAAGAGCGGGGTCAGGGGCGGCTCAGCCGCCAGCGCCCCGCG-3'